The following is an entry in ClinVar:

ClinVar aggregate classification (germline): Uncertain significance (1 of 4 stars; one submission).

Allele frequency attached by ClinVar (database versions not stated): TOPMed 0.00002; gnomAD 0.00003.
gnomAD v4.1: 8 of 1,614,108 alleles (0.0005%); highest among the groups gnomAD compares: African/African-American, 0.0027%; no homozygotes.

Submission:

Labcorp Genetics (formerly Invitae), Labcorp
Classification: Uncertain significance. Last evaluated: 2024-10-27. Review status: criteria provided, single submitter. Criteria: Invitae Variant Classification Sherloc (09022015). Collection method: clinical testing. Allele origin: germline.
Comment: This sequence change replaces serine, which is neutral and polar, with phenylalanine, which is neutral and non-polar, at codon 3521 of the KMT2A protein (p.Ser3521Phe). This variant is present in population databases (no rsID available, gnomAD 0.004%). This variant has not been reported in the literature in individuals affected with KMT2A-related conditions. Invitae Evidence Modeling of protein sequence and biophysical properties (such as structural, functional, and spatial information, amino acid conservation, physicochemical variation, residue mobility, and thermodynamic stability) indicates that this missense variant is not expected to disrupt KMT2A protein function with a negative predictive value of 95%. In summary, the available evidence is currently insufficient to determine the role of this variant in disease. Therefore, it has been classified as a Variant of Uncertain Significance.

NM_001197104.2(KMT2A):c.10562C>T (p.Ser3521Phe)

Gene: KMT2A (lysine methyltransferase 2A; plus strand). Cytogenetic location: 11q23.3.
Variant type: single nucleotide variant.
Coding change: c.10562C>T on transcript NM_001197104.2 (MANE Select); coding-DNA position 10562, C replaced by T.
Protein change: p.Ser3521Phe; replaces serine 3521 with phenylalanine.
Molecular consequence: missense variant.
Genome position (GRCh38, 1-based): chr11:118,506,454, C>T. VCF-style: chr11-118506454-C-T. GRCh37 (hg19) VCF-style: chr11-118377169-C-T.
Other names: c.10652C>T, p.Ser3551Phe (NM_001412597.1); c.10553C>T, p.Ser3518Phe (NM_005933.4); short protein forms S3518F, S3521F, S3551F.
Identifiers: ClinVar variation 2956062 (VCV002956062.3), dbSNP rs1314282387, ClinGen allele CA382826196.
Genomic context (GRCh38, chr11:118,506,454, plus strand): 5'-ACAAGGCTTTATCCTCAGCTGTGCAAGCCAGCCCCACCTCTCCTGGGGGTTCTCCATCCT[C>T]TCCATCTTCTGGACAGCGGTCAGCAAGCCCTTCAGTGCCGGGTCCCACTAAACCCAAACC-3'
Protein context (NP_001184033.1, residues 3511-3531): SPTSPGGSPS[Ser3521Phe]PSSGQRSASP